The following is an entry in ClinVar:

ClinVar aggregate classification (germline): Uncertain significance. Review status: criteria provided, multiple submitters, no conflicts (2 of 4 stars). 2 submissions from 2 submitters: Uncertain significance (2). Last evaluated 2022-04-06.

Conditions:
Glycogen storage disease, type II (IOPD). Also called: Glucosidase acid-1,4-alpha deficiency; Pompe Disease; GLYCOGENOSIS, GENERALIZED, CARDIAC FORM; GSD II; POMPE DISEASE, INFANTILE-ONSET; GLYCOGEN STORAGE DISEASE II, INFANTILE-ONSET. Identifiers: Orphanet 365, MedGen C0017921, MONDO:0009290, OMIM 232300.

Submissions (2):

Revvity Omics, Revvity
Classification: Uncertain significance. Last evaluated: 2022-04-06. Review status: criteria provided, single submitter. Criteria: ACMG Guidelines, 2015. Collection method: clinical testing. Allele origin: germline.

Labcorp Genetics (formerly Invitae), Labcorp
Classification: Uncertain significance for Glycogen storage disease, type II. Last evaluated: 2021-09-24. Review status: criteria provided, single submitter. Criteria: Invitae Variant Classification Sherloc (09022015). Collection method: clinical testing. Allele origin: germline.
Comment: This sequence change replaces asparagine with threonine at codon 673 of the GAA protein (p.Asn673Thr). The asparagine residue is highly conserved and there is a small physicochemical difference between asparagine and threonine. This variant is not present in population databases (ExAC no frequency). This variant has not been reported in the literature in individuals with GAA-related conditions. Algorithms developed to predict the effect of missense changes on protein structure and function are either unavailable or do not agree on the potential impact of this missense change (SIFT: "Tolerated"; PolyPhen-2: "Probably Damaging"; Align-GVGD: "Class C0"). In summary, the available evidence is currently insufficient to determine the role of this variant in disease. Therefore, it has been classified as a Variant of Uncertain Significance.

NM_000152.5(GAA):c.2018A>C (p.Asn673Thr)

Gene: GAA (alpha glucosidase; plus strand). Cytogenetic location: 17q25.3.
Variant type: single nucleotide variant.
Coding change: c.2018A>C on transcript NM_000152.5 (MANE Select); coding-DNA position 2018, A replaced by C.
Protein change: p.Asn673Thr; replaces asparagine 673 with threonine.
Molecular consequence: missense variant.
Genome position (GRCh38, 1-based): chr17:80,113,005, A>C. VCF-style: chr17-80113005-A-C. GRCh37 (hg19) VCF-style: chr17-78086804-A-C.
Other names: c.2018A>C, p.Asn673Thr (NM_001079803.3, NM_001079804.3); short protein forms N673T.
Identifiers: ClinVar variation 1441916 (VCV001441916.10), dbSNP rs1598585837, ClinGen allele CA401370079.